The following is an entry in ClinVar:

NM_000481.4(AMT):c.59dup (p.Ala21fs)

Genes: AMT (aminomethyltransferase; minus strand), NICN1 (nicolin 1, tubulin polyglutamylase complex subunit; minus strand). Cytogenetic location: 3p21.31.
Variant type: Duplication.
Coding change: c.59dup on transcript NM_000481.4 (MANE Select); coding-DNA position 59, one base duplicated (C; older notation c.59dupC).
Protein change: p.Ala21fs; shifts the reading frame from alanine 21.
Molecular consequence: frameshift variant. On other transcripts: non-coding transcript variant (1), 3 prime UTR variant (1).
Genome position (GRCh38, 1-based): chr3:49,422,392, G duplicated on the plus strand (C on the coding strand, the reverse complement: AMT is on the minus strand); the first of 6 consecutive G bases (chr3:49,422,392-49,422,397); duplicating any one gives the same sequence. VCF-style (leftmost placement, unchanged base first): chr3-49422391-C-CG. GRCh37 (hg19) VCF-style: chr3-49459824-C-CG.
Other names: c.59dup, p.Ala21fs (NM_001164710.2, NM_001164711.2, NM_001164712.2); c.*2441dup (NM_032316.3); c.59dupC (NM_000481.3); short protein forms A21fs.
Identifiers: ClinVar variation 1453525 (VCV001453525.8), dbSNP rs386833686, ClinGen allele CA645527268.
Genomic context (GRCh38, chr3:49,422,391, plus strand): 5'-ACCCTCCAAGATCAGCACCCTCTATCCCACCTGTGCGCAACTAAGTGGACGACACAAGGC[C>CG]GGGGGGAATGCCTGCAGGCGAAAGCCCAGACGGGCCACCACACTTACAGCCCTCTGCATC-3'

ClinVar aggregate classification (germline): Pathogenic. Review status: criteria provided, multiple submitters, no conflicts (2 of 4 stars). 2 submissions from 2 submitters: Pathogenic (2). Last evaluated 2025-05-14.

Conditions:
Glycine encephalopathy. Also called: Non-ketotic hyperglycinemia; Nonketotic hyperglycinemia. Identifiers: Orphanet 407, MedGen C0751748, MONDO:0011612, HP:0008288.

Submissions (2):

Labcorp Genetics (formerly Invitae), Labcorp
Classification: Pathogenic for Glycine encephalopathy. Last evaluated: 2025-05-14. Review status: criteria provided, single submitter. Criteria: Invitae Variant Classification Sherloc (09022015). Collection method: clinical testing. Allele origin: germline.
Comment: This sequence change creates a premature translational stop signal (p.Ala21Glyfs*7) in the AMT gene. It is expected to result in an absent or disrupted protein product. Loss-of-function variants in AMT are known to be pathogenic (PMID: 16450403). This variant is not present in population databases (gnomAD no frequency). This variant has not been reported in the literature in individuals affected with AMT-related conditions. ClinVar contains an entry for this variant (Variation ID: 1453525). For these reasons, this variant has been classified as Pathogenic.

Natera, Inc.
Classification: Pathogenic for Non-ketotic hyperglycinemia. Last evaluated: 2025-03-06. Review status: criteria provided, single submitter. Criteria: Natera Variant Classification Schema (03/2026). Collection method: clinical testing. Allele origin: germline.
Comment: The c.59dupC variant in AMT is a frameshift variant predicted to shift the reading frame beginning at codon 21 and leads to a stop codon 7 codons downstream. This variant is expected to result in nonsense mediated decay, truncation, or a dysfunctional protein product. This variant is rare in the general population with a frequency below the threshold expected for the associated phenotype(s). This variant has been observed in one or more individuals affected with the associated recessive disease, as either homozygous or compound heterozygous with a second variant (PMID: 32712949). Given the available evidence, this variant is classified as Pathogenic.

Literature cited by the submitters: PubMed 16450403 (cited by Labcorp Genetics (formerly Invitae), Labcorp); PubMed 32712949 (cited by Natera, Inc.).